The following is an entry in ClinVar:

NM_017755.6(NSUN2):c.1602-11G>T

Gene: NSUN2 (NOP2/Sun RNA methyltransferase 2; minus strand). Cytogenetic location: 5p15.31.
Variant type: single nucleotide variant.
Coding change: c.1602-11G>T on transcript NM_017755.6 (MANE Select); 11 bases into the intron before coding-DNA position 1602, G replaced by T.
Molecular consequence: intron variant.
Genome position (GRCh38, 1-based): chr5:6,605,419, C>A on the plus strand (G>T on the coding strand, the complement: NSUN2 is on the minus strand). VCF-style: chr5-6605419-C-A. GRCh37 (hg19) VCF-style: chr5-6605532-C-A.
Other names: c.1497-11G>T (NM_001193455.2).
Identifiers: ClinVar variation 354054 (VCV000354054.18), dbSNP rs2303707, ClinGen allele CA3192375.

ClinVar aggregate classification (germline): Benign. Review status: criteria provided, multiple submitters, no conflicts (2 of 4 stars). 5 submissions from 5 submitters: Benign (5). Last evaluated 2026-02-04.

Conditions:
Intellectual developmental disorder, autosomal recessive 5. Also called: Intellectual disability, autosomal recessive 5. Identifiers: Orphanet 88616, MedGen C1970199, MONDO:0012613, OMIM 611091.

Allele frequency attached by ClinVar (database versions not stated): 1000 Genomes Project 0.67532; gnomAD 0.68240 and 0.68523; TOPMed 0.69040; ExAC 0.66094; 1000 Genomes Project 30x 0.67676.
gnomAD v4.1: 1,094,170 of 1,611,912 alleles (68%); highest among the groups gnomAD compares: African/African-American, 74%; 373,320 homozygotes.

Submissions (5):

Labcorp Genetics (formerly Invitae), Labcorp
Classification: Benign. Last evaluated: 2026-02-04. Review status: criteria provided, single submitter. Criteria: Invitae Variant Classification Sherloc (09022015). Collection method: clinical testing. Allele origin: germline.

Blueprint Genetics
Classification: Benign. Last evaluated: 2024-11-26. Review status: criteria provided, single submitter. Criteria: ACMG Guidelines, 2015. Collection method: clinical testing. Allele origin: germline.

GeneDx
Classification: Benign. Last evaluated: 2018-09-11. Review status: criteria provided, single submitter. Criteria: GeneDx Variant Classification Process June 2021. Collection method: clinical testing. Allele origin: germline. Affected: yes.

Illumina Laboratory Services, Illumina
Classification: Benign for Intellectual developmental disorder, autosomal recessive 5. Last evaluated: 2018-01-13. Review status: criteria provided, single submitter. Criteria: ICSL Variant Classification Criteria 13 December 2019. Collection method: clinical testing. Allele origin: germline.
Comment: This variant was observed in the ICSL laboratory as part of a predisposition screen in an ostensibly healthy population. It had not been previously curated by ICSL or reported in the Human Gene Mutation Database (HGMD: prior to June 1st, 2018), and was therefore a candidate for classification through an automated scoring system. Utilizing variant allele frequency, disease prevalence and penetrance estimates, and inheritance mode, an automated score was calculated to assess if this variant is too frequent to cause the disease. Based on the score and internal cut-off values, a variant classified as benign is not then subjected to further curation. The score for this variant resulted in a classification of benign for this disease.

Breakthrough Genomics
Classification: Benign. Review status: criteria provided, single submitter. Criteria: ACMG Guidelines, 2015. Collection method: not provided. Allele origin: germline. Inheritance: Autosomal recessive inheritance. Affected: yes.